The following is an entry in ClinVar:

ClinVar aggregate classification (germline): Uncertain significance (1 of 4 stars; one submission).

Conditions:
Inborn genetic diseases. Identifiers: MedGen C0950123, MeSH D030342.

Submission:

Ambry Genetics
Classification: Uncertain significance for Inborn genetic diseases. Last evaluated: 2024-05-23. Review status: criteria provided, single submitter. Criteria: Ambry Variant Classification Scheme 2023. Collection method: clinical testing. Allele origin: germline.
Comment: The c.1172G>T (p.G391V) alteration is located in exon 9 (coding exon 9) of the CHD5 gene. This alteration results from a G to T substitution at nucleotide position 1172, causing the glycine (G) at amino acid position 391 to be replaced by a valine (V). This variant was not reported in population-based cohorts in the Genome Aggregation Database (gnomAD). This amino acid position is highly conserved in available vertebrate species. This alteration is predicted to be deleterious by in silico analysis. Based on insufficient or conflicting evidence, the clinical significance of this alteration remains unclear.

NM_015557.3(CHD5):c.1172G>T (p.Gly391Val)

Gene: CHD5 (chromodomain helicase DNA binding protein 5; minus strand). Cytogenetic location: 1p36.31.
Variant type: single nucleotide variant.
Coding change: c.1172G>T on transcript NM_015557.3 (MANE Select); coding-DNA position 1172, G replaced by T.
Protein change: p.Gly391Val; replaces glycine 391 with valine.
Molecular consequence: missense variant.
Genome position (GRCh38, 1-based): chr1:6,149,065, C>A on the plus strand (G>T on the coding strand, the complement: CHD5 is on the minus strand). VCF-style: chr1-6149065-C-A. GRCh37 (hg19) VCF-style: chr1-6209125-C-A.
Other names: short protein forms G391V.
Identifiers: ClinVar variation 3266857 (VCV003266857.1).
Genomic context (GRCh38, chr1:6,149,065, plus strand): 5'-TCCTCCTCGCAGCCGCCCTCCTCCTCTTCATCGTCGTCGTCCTTCGGCTCCCACTGGATC[C>A]CCTCCTTCTCCTGGGGGAGGAGGCCAGGTGGAGGCACCCTGGGCGGGGTCCCCGCTCCAC-3'
Protein context (NP_056372.1, residues 381-401): KWSCPHCEKE[Gly391Val]IQWEPKDDDD